The following is an entry in ClinVar:

ClinVar aggregate classification (germline): Uncertain significance (1 of 4 stars; one submission).

Conditions:
Cardiovascular phenotype. Identifiers: MedGen CN230736.

Submission:

Ambry Genetics
Classification: Uncertain significance for Cardiovascular phenotype. Last evaluated: 2026-03-26. Review status: criteria provided, single submitter. Criteria: Ambry Variant Classification Scheme 2023. Collection method: clinical testing. Allele origin: germline.
Comment: The c.1771_1778delAAACGGAA variant, located in coding exon 13 of the CACNB2 gene, results from a deletion of 8 nucleotides at nucleotide positions 1771 to 1778, causing a translational frameshift with a predicted alternate stop codon (p.K591*). The evidence for this gene-disease relationship is limited; therefore, the clinical significance of this variant is unclear.

NM_201596.3(CACNB2):c.1933_1940del (p.Lys644_Lys645insTer)

Gene: CACNB2 (calcium voltage-gated channel auxiliary subunit beta 2; plus strand). Cytogenetic location: 10p12.31.
Variant type: Deletion.
Coding change: c.1933_1940del on transcript NM_201596.3 (MANE Select); coding-DNA positions 1933 to 1940, 8 bases deleted (AAACGGAA; older notation c.1933_1940delAAACGGAA).
Protein change: p.Lys644_Lys645insTer.
Molecular consequence: nonsense.
Genome position (GRCh38, 1-based): chr10:18,539,674-18,539,681, AAACGGAA deleted; deleting any 8 consecutive bases within chr10:18,539,672-18,539,681 gives the same sequence; the c. name uses the placement nearest the transcript's 3' end. VCF-style (leftmost placement, unchanged base first): chr10-18539671-AAAAAACGG-A. GRCh37 (hg19) VCF-style: chr10-18828600-AAAAAACGG-A.
Other names: c.1768_1775del, p.Lys589_Lys590insTer (NM_000724.4); c.1735_1742del, p.Lys578_Lys579insTer (NM_001167945.2); c.1654_1661del, p.Lys551_Lys552insTer (NM_001330060.2); c.1675_1682del, p.Lys558_Lys559insTer (NM_001410882.1); c.1789_1796del, p.Lys596_Lys597insTer (NM_201570.3); c.1849_1856del, p.Lys616_Lys617insTer (NM_201571.4); c.1777_1784del, p.Lys592_Lys593insTer (NM_201572.4); c.1771_1778del, p.Lys590_Lys591insTer (NM_201590.3); and 2 more.
Identifiers: ClinVar variation 4868122 (VCV004868122.1).